The following is an entry in ClinVar:

NM_004247.4(EFTUD2):c.763G>A (p.Val255Met)

Gene: EFTUD2 (elongation factor Tu GTP binding domain containing 2; minus strand). Cytogenetic location: 17q21.31.
Variant type: single nucleotide variant.
Coding change: c.763G>A on transcript NM_004247.4 (MANE Select); coding-DNA position 763, G replaced by A.
Protein change: p.Val255Met; replaces valine 255 with methionine.
Molecular consequence: missense variant.
Genome position (GRCh38, 1-based): chr17:44,876,040, C>T on the plus strand (G>A on the coding strand, the complement: EFTUD2 is on the minus strand). VCF-style: chr17-44876040-C-T. GRCh37 (hg19) VCF-style: chr17-42953408-C-T.
Other names: c.658G>A, p.Val220Met (NM_001142605.2); c.763G>A, p.Val255Met (NM_001258353.2); c.733G>A, p.Val245Met (NM_001258354.2); short protein forms V255M, V245M, V220M.
Identifiers: ClinVar variation 2008257 (VCV002008257.4), dbSNP rs2050941796, ClinGen allele CA399819753.

ClinVar aggregate classification (germline): Uncertain significance (1 of 4 stars; one submission).

Allele frequency attached by ClinVar (database versions not stated): gnomAD exomes below 0.00001; TOPMed 0.00001.
gnomAD v4.1: 2 of 1,614,052 alleles (0.00012%); highest among the groups gnomAD compares: East Asian, 0.0022%; no homozygotes.

Submission:

Labcorp Genetics (formerly Invitae), Labcorp
Classification: Uncertain significance. Last evaluated: 2023-08-04. Review status: criteria provided, single submitter. Criteria: Invitae Variant Classification Sherloc (09022015). Collection method: clinical testing. Allele origin: germline.
Comment: This sequence change replaces valine, which is neutral and non-polar, with methionine, which is neutral and non-polar, at codon 255 of the EFTUD2 protein (p.Val255Met). This variant is not present in population databases (gnomAD no frequency). This variant has not been reported in the literature in individuals affected with EFTUD2-related conditions. ClinVar contains an entry for this variant (Variation ID: 2008257). Advanced modeling of protein sequence and biophysical properties (such as structural, functional, and spatial information, amino acid conservation, physicochemical variation, residue mobility, and thermodynamic stability) performed at Invitae indicates that this missense variant is not expected to disrupt EFTUD2 protein function. In summary, the available evidence is currently insufficient to determine the role of this variant in disease. Therefore, it has been classified as a Variant of Uncertain Significance.